The following is an entry in ClinVar:

ClinVar aggregate classification (germline): Uncertain significance (1 of 4 stars; one submission).

Conditions:
Hereditary cancer-predisposing syndrome. Also called: Neoplastic Syndromes, Hereditary; Tumor predisposition; Hereditary Cancer Syndrome; Hereditary neoplastic syndrome. Identifiers: Orphanet 140162, MedGen C0027672, MeSH D009386, MONDO:0015356.

Allele frequency attached by ClinVar (database versions not stated): gnomAD exomes below 0.00001.
gnomAD v4.1: 1 of 1,614,184 alleles (0.000062%); highest among the groups gnomAD compares: Non-Finnish European, 0.000085%; no homozygotes.

Submission:

Ambry Genetics
Classification: Uncertain significance for Hereditary cancer-predisposing syndrome. Last evaluated: 2025-07-01. Review status: criteria provided, single submitter. Criteria: Ambry Variant Classification Scheme 2023. Collection method: clinical testing. Allele origin: germline.
Comment: The p.P232T variant (also known as c.694C>A), located in coding exon 5 of the CTNNA1 gene, results from a C to A substitution at nucleotide position 694. The proline at codon 232 is replaced by threonine, an amino acid with highly similar properties. This amino acid position is highly conserved in available vertebrate species. In addition, this alteration is predicted to be deleterious by in silico analysis. Since supporting evidence is limited at this time, the clinical significance of this alteration remains unclear.

NM_001903.5(CTNNA1):c.694C>A (p.Pro232Thr)

Gene: CTNNA1 (catenin alpha 1; plus strand). Cytogenetic location: 5q31.2.
Variant type: single nucleotide variant.
Coding change: c.694C>A on transcript NM_001903.5 (MANE Select); coding-DNA position 694, C replaced by A.
Protein change: p.Pro232Thr; replaces proline 232 with threonine.
Molecular consequence: missense variant.
Genome position (GRCh38, 1-based): chr5:138,824,635, C>A. VCF-style: chr5-138824635-C-A. GRCh37 (hg19) VCF-style: chr5-138160324-C-A.
Other names: c.694C>A, p.Pro232Thr (NM_001290307.3, NM_001323982.2, NM_001323983.1 and 3 more transcripts); c.385C>A, p.Pro129Thr (NM_001290309.3); c.325C>A, p.Pro109Thr (NM_001290310.3); short protein forms P129T, P232T, P109T.
Identifiers: ClinVar variation 1756282 (VCV001756282.3), dbSNP rs2149775967, ClinGen allele CA361129746.